The following is an entry in ClinVar:

NM_002485.5(NBN):c.468A>C (p.Lys156Asn)

Gene: NBN (nibrin; minus strand). Cytogenetic location: 8q21.3.
Variant type: single nucleotide variant.
Coding change: c.468A>C on transcript NM_002485.5 (MANE Select); coding-DNA position 468, A replaced by C.
Protein change: p.Lys156Asn; replaces lysine 156 with asparagine.
Molecular consequence: missense variant.
Genome position (GRCh38, 1-based): chr8:89,980,746, T>G on the plus strand (A>C on the coding strand, the complement: NBN is on the minus strand). VCF-style: chr8-89980746-T-G. GRCh37 (hg19) VCF-style: chr8-90992974-T-G.
Other names: p.K156N:AAA>AAC; c.222A>C, p.Lys74Asn (NM_001024688.3); short protein forms K156N, K74N.
Identifiers: ClinVar variation 182729 (VCV000182729.37), dbSNP rs730881858, ClinGen allele CA299636.

ClinVar aggregate classification (germline): Conflicting classifications of pathogenicity. Review status: criteria provided, conflicting classifications (1 of 4 stars). 9 submissions from 9 submitters: Uncertain significance (7); Likely benign (1). 1 of the submissions does not count toward it. Last evaluated 2025-10-10.

Conditions:
Hereditary cancer-predisposing syndrome. Also called: Tumor predisposition; Hereditary Cancer Syndrome; Hereditary neoplastic syndrome; Neoplastic Syndromes, Hereditary. Identifiers: Orphanet 140162, MedGen C0027672, MeSH D009386, MONDO:0015356.
Microcephaly, normal intelligence and immunodeficiency (NBS). Also called: IMMUNODEFICIENCY, MICROCEPHALY, AND CHROMOSOMAL INSTABILITY; SEEMANOVA SYNDROME II; Nijmegen breakage syndrome; Microcephaly with normal intelligence immunodeficiency and lymphoreticular malignancies; Nonsyndromal microcephaly autosomal recessive with normal intelligence; Seemanova syndrome 2. Identifiers: Orphanet 647, MedGen C0398791, MONDO:0009623, OMIM 251260.

Allele frequency attached by ClinVar (database versions not stated): gnomAD 0.00001; gnomAD exomes 0.00007 and 0.00015; TOPMed 0.00007; ExAC 0.00013.
gnomAD v4.1: 44 of 1,612,142 alleles (0.0027%); highest among the groups gnomAD compares: Admixed American, 0.072%; 1 homozygote.

Submissions (9):

Women's Health and Genetics/Laboratory Corporation of America, LabCorp
Classification: Uncertain significance. Last evaluated: 2025-10-10. Review status: criteria provided, single submitter. Criteria: LabCorp Variant Classification Summary - May 2015. Collection method: clinical testing. Allele origin: germline.
Comment: Variant summary: NBN c.468A>C (p.Lys156Asn) results in a non-conservative amino acid change in the encoded protein sequence. Algorithms developed to predict the effect of missense changes on protein structure and function all suggest that this variant is likely to be disruptive. The variant allele was found at a frequency of 0.00015 in 251210 control chromosomes in the gnomAD database, including 1 homozygotes. This frequency is not significantly higher than estimated for disease-causing variants in NBN, allowing no conclusion about variant significance. c.468A>C has been reported in the literature in an individual with breast cancer, but also healthy controls (e.g. Weitzel_2019) as well as in 3 individuals of unknown relationship with B-cell acute lymphoblastic leukemia (example, Escherich_2024). These report(s) do not provide unequivocal conclusions about association of the variant with Nijmegen Breakage Syndrome. At least one publication reports experimental evidence evaluating an impact on protein function, however, does not allow convincing conclusions about the variant effect (Escherich_2024). The following publications have been ascertained in the context of this evaluation (PMID: 32945065, 31206626, 36346689, 38446568). ClinVar contains an entry for this variant (Variation ID: 182729). Based on the evidence outlined above, the variant was classified as uncertain significance.

Quest Diagnostics Nichols Institute San Juan Capistrano
Classification: Uncertain significance. Last evaluated: 2025-02-13. Review status: criteria provided, single submitter. Criteria: Quest Diagnostics criteria. Collection method: clinical testing. Allele origin: unknown.
Comment: The NBN c.468A>C (p.Lys156Asn) variant has been reported in the published literature in individuals affected with breast cancer (PMID: 31206626 (2019)), colorectal cancer (PMID: 33359728 (2022)), and B-cell acute lymphoblastic leukemia (PMID: 38446568 (2024)). It was also observed in reportedly healthy individuals (PMID: 31206626 (2019)). The frequency of this variant in the general population (Genome Aggregation Database) is higher than would generally be expected for pathogenic variants in this gene. Analysis of this variant using bioinformatics tools for the prediction of the effect of amino acid changes on protein structure and function yielded conflicting predictions that this variant is benign or damaging. Based on the available information, we are unable to determine the clinical significance of this variant.

Labcorp Genetics (formerly Invitae), Labcorp
Classification: Uncertain significance for Microcephaly, normal intelligence and immunodeficiency. Last evaluated: 2025-01-06. Review status: criteria provided, single submitter. Criteria: Invitae Variant Classification Sherloc (09022015). Collection method: clinical testing. Allele origin: germline.
Comment: This sequence change replaces lysine, which is basic and polar, with asparagine, which is neutral and polar, at codon 156 of the NBN protein (p.Lys156Asn). This variant is present in population databases (rs730881858, gnomAD 0.1%), including at least one homozygous and/or hemizygous individual. This missense change has been observed in individual(s) with breast cancer and/or clinical features of NBN-related conditions (PMID: 31206626, 36346689, 38446568). ClinVar contains an entry for this variant (Variation ID: 182729). An algorithm developed to predict the effect of missense changes on protein structure and function (PolyPhen-2) suggests that this variant is likely to be disruptive. In summary, the available evidence is currently insufficient to determine the role of this variant in disease. Therefore, it has been classified as a Variant of Uncertain Significance.

GeneDx
Classification: Uncertain significance. Last evaluated: 2023-06-07. Review status: criteria provided, single submitter. Criteria: GeneDx Variant Classification Process June 2021. Collection method: clinical testing. Allele origin: germline. Affected: yes.
Comment: In silico analysis supports that this missense variant has a deleterious effect on protein structure/function; Observed in individuals with breast cancer or early-onset colorectal cancer, but also in healthy controls (Weitzel et al., 2019; Dharwadkar et al., 2020); This variant is associated with the following publications: (PMID: 32945065, 33359728, 31206626)

Ambry Genetics
Classification: Likely benign for Hereditary cancer-predisposing syndrome. Last evaluated: 2023-02-10. Review status: criteria provided, single submitter. Criteria: Ambry Variant Classification Scheme 2023. Collection method: clinical testing. Allele origin: germline.

Sema4
Classification: Uncertain significance for Hereditary cancer-predisposing syndrome. Last evaluated: 2021-12-21. Review status: criteria provided, single submitter. Criteria: Sema4 Curation Guidelines. Collection method: curation. Allele origin: germline.
Comment: The NBN c.468A>C (p.K156N) variant has been reported in individuals with breast and colorectal cancer, and has also been reported in healthy controls (PMID: 31206626, 33359728). It was observed in 38/34566 chromosomes of the Latino subpopulation, with one homozygote, in the large and broad cohorts of the Genome Aggregation Database (PMID: 32461654). The variant has been reported in ClinVar (Variation ID: 182729). Functional studies have not been performed, and in silico predictions of the variant's effect on protein function are inconclusive. The evidence is insufficient to meet ACMG/AMP criteria for classifying the variant as benign or pathogenic. Thus, the clinical significance of this variant is currently uncertain.

Genome-Nilou Lab
Classification: Uncertain significance for Microcephaly, normal intelligence and immunodeficiency. Last evaluated: 2021-11-07. Review status: criteria provided, single submitter. Criteria: ACMG Guidelines, 2015. Collection method: clinical testing. Allele origin: germline. Affected: no.

PreventionGenetics, part of Exact Sciences
Classification: Uncertain significance. Last evaluated: 2017-02-28. Review status: criteria provided, single submitter. Criteria: ACMG Guidelines, 2015. Collection method: clinical testing. Allele origin: germline.

Natera, Inc.
Classification: Uncertain significance for Nijmegen breakage syndrome. Last evaluated: 2020-03-05. Review status: no assertion criteria provided. Collection method: clinical testing. Allele origin: germline. Not counted in ClinVar's aggregate classification.

Literature cited by the submitters: PubMed 31206626 (cited by 4 submitters); PubMed 32945065 (cited by Women's Health and Genetics/Laboratory Corporation of America, LabCorp and Quest Diagnostics Nichols Institute San Juan Capistrano); PubMed 36346689 (cited by 3 submitters); PubMed 38446568 (cited by 3 submitters); PubMed 33359728 (cited by Quest Diagnostics Nichols Institute San Juan Capistrano and Sema4).